The following is an entry in ClinVar:

NM_001920.5(DCN):c.*377T>C

Gene: DCN (decorin; minus strand). Cytogenetic location: 12q21.33.
Variant type: single nucleotide variant.
Coding change: c.*377T>C on transcript NM_001920.5 (MANE Select); 377 bases downstream of the stop codon, T replaced by C.
Molecular consequence: 3 prime UTR variant.
Genome position (GRCh38, 1-based): chr12:91,145,681, A>G on the plus strand (T>C on the coding strand, the complement: DCN is on the minus strand). VCF-style: chr12-91145681-A-G. GRCh37 (hg19) VCF-style: chr12-91539458-A-G.
Other names: c.*377T>C (NM_133503.4, NM_133504.3, NM_133505.3 and 1 more transcripts); c.*555T>C (NM_133507.3).
Identifiers: ClinVar variation 310644 (VCV000310644.5), dbSNP rs35379812, ClinGen allele CA6716854.

ClinVar aggregate classification (germline): Benign (1 of 4 stars; one submission).

Conditions:
Congenital stromal corneal dystrophy (CSCD). Identifiers: Orphanet 101068, MedGen C1864738, MONDO:0012401, OMIM 610048.

Allele frequency attached by ClinVar (database versions not stated): 1000 Genomes Project 0.00260; 1000 Genomes Project 30x 0.00281; TOPMed 0.00516; ExAC 0.00574.
gnomAD v4.1: 2,068 of 355,554 alleles (0.58%); highest among the groups gnomAD compares: Non-Finnish European, 0.84%; 12 homozygotes.

Submission:

Illumina Laboratory Services, Illumina
Classification: Benign for Congenital stromal corneal dystrophy. Last evaluated: 2018-01-12. Review status: criteria provided, single submitter. Criteria: ICSL Variant Classification Criteria 13 December 2019. Collection method: clinical testing. Allele origin: germline.
Comment: This variant was observed in the ICSL laboratory as part of a predisposition screen in an ostensibly healthy population. It had not been previously curated by ICSL or reported in the Human Gene Mutation Database (HGMD: prior to June 1st, 2018), and was therefore a candidate for classification through an automated scoring system. Utilizing variant allele frequency, disease prevalence and penetrance estimates, and inheritance mode, an automated score was calculated to assess if this variant is too frequent to cause the disease. Based on the score and internal cut-off values, a variant classified as benign is not then subjected to further curation. The score for this variant resulted in a classification of benign for this disease.